The following is an entry in ClinVar:

NM_001165963.4(SCN1A):c.1531G>C (p.Gly511Arg)

Gene: SCN1A (sodium voltage-gated channel alpha subunit 1; minus strand). Cytogenetic location: 2q24.3.
Variant type: single nucleotide variant.
Coding change: c.1531G>C on transcript NM_001165963.4 (MANE Select); coding-DNA position 1531, G replaced by C.
Protein change: p.Gly511Arg; replaces glycine 511 with arginine.
Molecular consequence: missense variant. On other transcripts: 5 prime UTR variant (1), non-coding transcript variant (1).
Genome position (GRCh38, 1-based): chr2:166,045,174, C>G on the plus strand (G>C on the coding strand, the complement: SCN1A is on the minus strand). VCF-style: chr2-166045174-C-G. GRCh37 (hg19) VCF-style: chr2-166901684-C-G.
Other names: c.1531G>C, p.Gly511Arg (NM_001165964.3, NM_001202435.3, NM_001353948.2 and 7 more transcripts); c.1528G>C, p.Gly510Arg (NM_001353954.2, NM_001353955.2, NM_001353960.2); c.-895G>C (NM_001353961.2); short protein forms G510R, G511R.
Identifiers: ClinVar variation 1357623 (VCV001357623.9), dbSNP rs1559220753, ClinGen allele CA349069470.
Genomic context (GRCh38, chr2:166,045,174, plus strand): 5'-TCCTGATGCTGTCCTCAGATTCAGATTTTTGGAATTCATCCTCATCTTTCTCTTCCCCAC[C>G]AGACTGCTCTTTCTGTTTTCTTTTCTTCCTCCGATTTCTTCTTTCCTTAGCACTCTTGGA-3'
Protein context (NP_001159435.1, residues 501-521): RKKRKQKEQS[Gly511Arg]GEEKDEDEFQ

ClinVar aggregate classification (germline): Uncertain significance (1 of 4 stars; one submission).

Conditions:
Early-infantile DEE. Also called: Early infantile epileptic encephalopathy with suppression bursts; Early infantile epileptic encephalopathy; Ohtahara syndrome. Identifiers: Orphanet 1934, MedGen C0393706, MONDO:0800491.

Submission:

Labcorp Genetics (formerly Invitae), Labcorp
Classification: Uncertain significance for Early-infantile DEE. Last evaluated: 2020-12-19. Review status: criteria provided, single submitter. Criteria: Invitae Variant Classification Sherloc (09022015). Collection method: clinical testing. Allele origin: germline.
Comment: In summary, the available evidence is currently insufficient to determine the role of this variant in disease. Therefore, it has been classified as a Variant of Uncertain Significance. Advanced modeling of protein sequence and biophysical properties (such as structural, functional, and spatial information, amino acid conservation, physicochemical variation, residue mobility, and thermodynamic stability) performed at Invitae indicates that this missense variant is not expected to disrupt SCN1A protein function. This variant has not been reported in the literature in individuals with SCN1A-related conditions. This variant is not present in population databases (ExAC no frequency). This sequence change replaces glycine with arginine at codon 511 of the SCN1A protein (p.Gly511Arg). The glycine residue is highly conserved and there is a moderate physicochemical difference between glycine and arginine.